The following is an entry in ClinVar:

NM_000395.3(CSF2RB):c.1295G>A (p.Arg432His)

Gene: CSF2RB (colony stimulating factor 2 receptor subunit beta; plus strand). Cytogenetic location: 22q12.3.
Variant type: single nucleotide variant.
Coding change: c.1295G>A on transcript NM_000395.3 (MANE Select); coding-DNA position 1295, G replaced by A.
Protein change: p.Arg432His; replaces arginine 432 with histidine.
Molecular consequence: missense variant.
Genome position (GRCh38, 1-based): chr22:36,933,974, G>A. VCF-style: chr22-36933974-G-A. GRCh37 (hg19) VCF-style: chr22-37330016-G-A.
Other names: c.1313G>A, p.Arg438His (NM_001410827.1); c.1295G>A (NM_000395.2); short protein forms R438H, R432H.
Identifiers: ClinVar variation 2063728 (VCV002063728.5), dbSNP rs148276210, ClinGen allele CA10213769.

ClinVar aggregate classification (germline): Uncertain significance. Review status: criteria provided, multiple submitters, no conflicts (2 of 4 stars). 2 submissions from 2 submitters: Uncertain significance (2). Last evaluated 2025-05-06.

Conditions:
Inborn genetic diseases. Identifiers: MedGen C0950123, MeSH D030342.

Allele frequency attached by ClinVar (database versions not stated): ExAC 0.00004; gnomAD 0.00005.

Submissions (2):

Labcorp Genetics (formerly Invitae), Labcorp
Classification: Uncertain significance. Last evaluated: 2025-05-06. Review status: criteria provided, single submitter. Criteria: Invitae Variant Classification Sherloc (09022015). Collection method: clinical testing. Allele origin: germline.
Comment: This sequence change replaces arginine, which is basic and polar, with histidine, which is basic and polar, at codon 432 of the CSF2RB protein (p.Arg432His). This variant is present in population databases (rs148276210, gnomAD 0.008%). This variant has not been reported in the literature in individuals affected with CSF2RB-related conditions. ClinVar contains an entry for this variant (Variation ID: 2063728). Invitae Evidence Modeling of protein sequence and biophysical properties (such as structural, functional, and spatial information, amino acid conservation, physicochemical variation, residue mobility, and thermodynamic stability) indicates that this missense variant is not expected to disrupt CSF2RB protein function with a negative predictive value of 80%. In summary, the available evidence is currently insufficient to determine the role of this variant in disease. Therefore, it has been classified as a Variant of Uncertain Significance.

Ambry Genetics
Classification: Uncertain significance for Inborn genetic diseases. Last evaluated: 2025-03-06. Review status: criteria provided, single submitter. Criteria: Ambry Variant Classification Scheme 2023. Collection method: clinical testing. Allele origin: germline.